The following is an entry in ClinVar:

NM_001386140.1(MTTP):c.997dup (p.Ile333fs)

Gene: MTTP (microsomal triglyceride transfer protein; plus strand). Cytogenetic location: 4q23.
Variant type: Duplication.
Coding change: c.997dup on transcript NM_001386140.1 (MANE Select); coding-DNA position 997, one base duplicated (A; older notation c.997dupA).
Protein change: p.Ile333fs; shifts the reading frame from isoleucine 333.
Molecular consequence: frameshift variant.
Genome position (GRCh38, 1-based): chr4:99,597,154, A duplicated. VCF-style (leftmost placement, unchanged base first): chr4-99597153-C-CA. GRCh37 (hg19) VCF-style: chr4-100518310-C-CA.
Other names: c.997dup, p.Ile333fs (NM_000253.4); c.748dup, p.Ile250fs (NM_001300785.2); short protein forms I250fs, I333fs.
Identifiers: ClinVar variation 5013660 (VCV005013660.1).

ClinVar aggregate classification (germline): Pathogenic (1 of 4 stars; one submission).

Conditions:
Abetalipoproteinaemia (ABL). Also called: MTP DEFICIENCY; Abetalipoproteinemia; Abetalipoproteinemia neuropathy; Apolipoprotein B deficiency; Congenital betalipoprotein deficiency syndrome. Identifiers: Orphanet 14, MedGen C0000744, MONDO:0008692, OMIM 200100, HP:0008181.

Submission:

Myriad Genetics, Inc.
Classification: Pathogenic for Abetalipoproteinaemia. Last evaluated: 2024-10-21. Review status: criteria provided, single submitter. Criteria: Myriad Autosomal Dominant, Autosomal Recessive and X-Linked Classification Criteria (2023). Collection method: clinical testing. Allele origin: unknown.
Comment: NM_000253.2(MTTP):c.997dupA(I333Nfs*21) is expected to be pathogenic in the context of abetalipoproteinemia. This variant is predicted to lead to an abnormal or absent protein product due to the creation of a premature termination codon in MTTP, a gene where loss-of-function variants are known to be pathogenic. Please note: this variant was assessed in the context of healthy population screening.